The following is an entry in ClinVar:

NM_000363.5(TNNI3):c.318G>C (p.Lys106Asn)

Gene: TNNI3 (troponin I3, cardiac type; minus strand). Cytogenetic location: 19q13.42.
Variant type: single nucleotide variant.
Coding change: c.318G>C on transcript NM_000363.5 (MANE Select); coding-DNA position 318, G replaced by C.
Protein change: p.Lys106Asn; replaces lysine 106 with asparagine.
Molecular consequence: missense variant.
Genome position (GRCh38, 1-based): chr19:55,154,795, C>G on the plus strand (G>C on the coding strand, the complement: TNNI3 is on the minus strand). VCF-style: chr19-55154795-C-G. GRCh37 (hg19) VCF-style: chr19-55666163-C-G.
Other names: short protein forms K106N.
Identifiers: ClinVar variation 927565 (VCV000927565.17), dbSNP rs750350912, ClinGen allele CA051220.
Genomic context (GRCh38, chr19:55,154,795, plus strand): 5'-TCCCACCTCCGTGATGTTCTTGGTGACTTTTGCCTCTATGTCGTATCTCTCTTCATCCAC[C>G]TTGTCCACACGGGCGTGGAGCTGTCGGCACAAGTCCTGGAGGAGGAACGTGGTGTGTGTT-3'
Protein context (NP_000354.4, residues 96-116): LCRQLHARVD[Lys106Asn]VDEERYDIEA

ClinVar aggregate classification (germline): Uncertain significance. Review status: reviewed by expert panel (3 of 4 stars). 7 submissions from 7 submitters: Uncertain significance (1). 6 of the submissions do not count toward it. Last evaluated 2025-11-13.

Conditions:
Cardiomyopathy (CMYO). Also called: Cardiomyopathies. Identifiers: Orphanet 167848, MedGen C0878544, MONDO:0004994, HP:0001638. Inheritance: Various modes of inheritance.
Cardiovascular phenotype. Identifiers: MedGen CN230736.
Dilated cardiomyopathy 1FF (CMD1FF). Identifiers: Orphanet 154, MedGen C2750091, MONDO:0013211, OMIM 613286.
Hypertrophic cardiomyopathy. Also called: HYPERTROPHIC MYOCARDIOPATHY. Identifiers: Orphanet 217569, MedGen C0007194, MeSH D002312, MONDO:0005045, HP:0001639.

gnomAD v4.1: 14 of 1,614,216 alleles (0.00087%); highest among the groups gnomAD compares: Non-Finnish European, 0.001%; no homozygotes.

Submissions (7):

ClinGen Cardiomyopathy Variant Curation Expert Panel
Classification: Uncertain significance for Hypertrophic cardiomyopathy. Last evaluated: 2025-11-13. Review status: reviewed by expert panel. Criteria: ClinGen CMP ACMG Specifications TNNI3 V1.0.0. Collection method: curation. Allele origin: germline. Inheritance: Autosomal dominant inheritance.
Comment: NM_000363.5(TNNI3):c.318G>C (p.Lys106Asn) - This variant has been reported in association with HCM (PMIDs: 24793961), but is not statistically increased in individuals with HCM compared to controls [OR lower 95% CI <5]. Therefore, the PS4 criterion has not been applied. This variant is present in gnomAD (v2.1.1), but did not meet the threshold for PM2 nor BS1. Computational prediction tools suggest that this variant does not impact the protein (REVEL score <0.4; BP4). In summary, this variant is classified as Uncertain Significance for HCM in an autosomal dominant manner based on BP4.

Women's Health and Genetics/Laboratory Corporation of America, LabCorp
Classification: Uncertain significance. Last evaluated: 2026-02-23. Review status: criteria provided, single submitter. Criteria: LabCorp Variant Classification Summary - May 2015. Collection method: clinical testing. Allele origin: germline. Not counted in ClinVar's aggregate classification.
Comment: Variant summary: TNNI3 c.318G>C (p.Lys106Asn) results in a non-conservative amino acid change in the encoded protein sequence. Algorithms developed to predict the effect of missense changes on protein structure and function all suggest that this variant is likely to be disruptive. The variant allele was found at a frequency of 2e-05 in 249462 control chromosomes. The available data on variant occurrences in the general population are insufficient to allow any conclusion about variant significance. c.318G>C has been observed in at least one individual affected with Hypertrophic Cardiomyopathy (Bos_2014). This report does not provide unequivocal conclusions about association of the variant with Cardiomyopathy. To our knowledge, no experimental evidence demonstrating an impact on protein function has been reported. The following publication has been ascertained in the context of this evaluation (PMID: 24793961). ClinVar contains an entry for this variant (Variation ID: 927565). Based on the evidence outlined above, the variant was classified as uncertain significance.

All of Us Research Program, National Institutes of Health
Classification: Uncertain significance for Hypertrophic cardiomyopathy. Last evaluated: 2024-09-23. Review status: criteria provided, single submitter. Criteria: ACMG Guidelines, 2015. Collection method: clinical testing. Allele origin: germline. Inheritance: Autosomal dominant inheritance. Observed: 3 variant alleles, 3 heterozygotes. Not counted in ClinVar's aggregate classification.
Comment: This missense variant replaces lysine with asparagine at codon 106 of the TNNI3 protein. Computational prediction tools and conservation analyses are inconclusive regarding the impact of this variant on protein function. Computational splicing tools suggest that this variant may not impact RNA splicing. To our knowledge, functional assays have not been performed for this variant nor has this variant been reported in individuals affected with cardiovascular disorders in the literature. This variant has been identified in 5/249462 chromosomes in the general population by the Genome Aggregation Database (gnomAD). Available evidence is insufficient to determine the role of this variant in disease conclusively. Therefore, this variant is classified as a Variant of Uncertain Significance.

This study involves interpretation of variants in research participants for the purpose of population health screening. Participant phenotype was not available at the time of variant classification. Additional details can be found in publication PMID: 35346344, PMCID: PMC8962531

Color Diagnostics, LLC DBA Color Health
Classification: Uncertain significance for Cardiomyopathy. Last evaluated: 2024-02-05. Review status: criteria provided, single submitter. Criteria: ACMG Guidelines, 2015. Collection method: clinical testing. Allele origin: germline. Not counted in ClinVar's aggregate classification.
Comment: This missense variant replaces lysine with asparagine at codon 106 of the TNNI3 protein. Computational prediction tools indicate that this variant has a neutral impact on protein structure and function. To our knowledge, functional studies have not been reported for this variant. This variant has been reported in one individual affected with hypertrophic cardiomyopathy (PMID: 24793961). This variant has been identified in 5/249462 chromosomes in the general population by the Genome Aggregation Database (gnomAD). The available evidence is insufficient to determine the role of this variant in disease conclusively. Therefore, this variant is classified as a Variant of Uncertain Significance.

Ambry Genetics
Classification: Uncertain significance for Cardiovascular phenotype. Last evaluated: 2023-03-29. Review status: criteria provided, single submitter. Criteria: Ambry Variant Classification Scheme 2023. Collection method: clinical testing. Allele origin: germline. Not counted in ClinVar's aggregate classification.
Comment: The p.K106N variant (also known as c.318G>C), located in coding exon 6 of the TNNI3 gene, results from a G to C substitution at nucleotide position 318. The lysine at codon 106 is replaced by asparagine, an amino acid with similar properties. This alteration has been reported in association with hypertrophic cardiomyopathy (HCM) (Bos JM et al. Mayo Clin Proc, 2014 Jun;89:727-37). This amino acid position is well conserved in available vertebrate species. In addition, this alteration is predicted to be tolerated by in silico analysis. Since supporting evidence is limited at this time, the clinical significance of this alteration remains unclear.

Victorian Clinical Genetics Services, Murdoch Childrens Research Institute
Classification: Uncertain significance for Dilated cardiomyopathy 1FF. Last evaluated: 2021-05-06. Review status: criteria provided, single submitter. Criteria: ACMG Guidelines, 2015. Collection method: clinical testing. Allele origin: germline. Inheritance: Autosomal dominant inheritance. Affected: yes. Not counted in ClinVar's aggregate classification.
Comment: Based on the classification scheme VCGS_Germline_v1.3.4, this variant is classified as VUS-3B. Following criteria are met: 0103 - Both loss- and gain-of-function are known mechanisms of disease for this gene and are associated with dilated cardiomyopathy, 1FF (MIM#613286) and hypertrophic cardiomyopathy 7 (MIM#613690), respectively. Missense have variants been functionally proven to cause both mechanisms (PMID: 21533915). (I) 0108 - This gene is known to be associated with both recessive and dominant disease. The recessive form of inheritance is the exception and has only been reported in a couple of families (PMIDs: 15070570, 23270746). (I) 0112 - Variants in this gene are known to have reduced penetrance (PMID: 15607392). (I) 0115 - Variants in this gene are known to have variable expressivity (PMID: 23270746). (I) 0200 - Variant is predicted to result in a missense amino acid change from lysine to asparagine. (I) 0251 - This variant is heterozygous. (I) 0302 - Variant is present in gnomAD (v2) <0.001 for a dominant condition (5 heterozygotes, 0 homozygotes). (SP) 0309 - An alternative amino acid change at the same position has been observed in gnomAD (v3, v2) (1 heterozygote, 0 homozygotes). (I) 0502 - Missense variant with conflicting in silico predictions and uninformative conservation. (I) 0600 - Variant is located in the annotated troponin domain (NCBI). (I) 0705 - No comparable missense variants have previous evidence for pathogenicity. (I) 0809 - Previous evidence of pathogenicity for this variant is inconclusive. This variant has been reported as a VUS (ClinVar), and observed once in a cohort of individuals with hypertrophic cardiomyopathy (PMID: 24793961). (I) 0905 - No published segregation evidence has been identified for this variant. (I) 1007 - No published functional evidence has been identified for this variant. (I) 1208 - Inheritance information for this variant is not currently available in this individual. (I) Legend: (SP) - Supporting pathogenic, (I) - Information, (SB) - Supporting benign

Labcorp Genetics (formerly Invitae), Labcorp
Classification: Uncertain significance for Hypertrophic cardiomyopathy. Last evaluated: 2020-10-15. Review status: criteria provided, single submitter. Criteria: Invitae Variant Classification Sherloc (09022015). Collection method: clinical testing. Allele origin: germline. Not counted in ClinVar's aggregate classification.
Comment: This sequence change replaces lysine with asparagine at codon 106 of the TNNI3 protein (p.Lys106Asn). The lysine residue is highly conserved and there is a moderate physicochemical difference between lysine and asparagine. In summary, the available evidence is currently insufficient to determine the role of this variant in disease. Therefore, it has been classified as a Variant of Uncertain Significance. Algorithms developed to predict the effect of missense changes on protein structure and function (SIFT, PolyPhen-2, Align-GVGD) all suggest that this variant is likely to be tolerated, but these predictions have not been confirmed by published functional studies and their clinical significance is uncertain. This variant has been observed in individual(s) with hypertrophic cardiomyopathy (PMID: 24793961). This variant is present in population databases (rs750350912, ExAC 0.008%).

Literature cited by the submitters: PubMed 24793961 (cited by 5 submitters); PubMed 15070570 (cited by Victorian Clinical Genetics Services, Murdoch Childrens Research Institute); PubMed 15607392 (cited by Victorian Clinical Genetics Services, Murdoch Childrens Research Institute); PubMed 21533915 (cited by Victorian Clinical Genetics Services, Murdoch Childrens Research Institute); PubMed 23270746 (cited by Victorian Clinical Genetics Services, Murdoch Childrens Research Institute).